The following is an entry in ClinVar:

ClinVar aggregate classification (germline): Uncertain significance. Review status: criteria provided, multiple submitters, no conflicts (2 of 4 stars). 2 submissions from 2 submitters: Uncertain significance (2). Last evaluated 2022-03-11.

Submissions (2):

Labcorp Genetics (formerly Invitae), Labcorp
Classification: Uncertain significance. Last evaluated: 2022-03-11. Review status: criteria provided, single submitter. Criteria: Invitae Variant Classification Sherloc (09022015). Collection method: clinical testing. Allele origin: germline.
Comment: ClinVar contains an entry for this variant (Variation ID: 866738). Advanced modeling of protein sequence and biophysical properties (such as structural, functional, and spatial information, amino acid conservation, physicochemical variation, residue mobility, and thermodynamic stability) performed at Invitae indicates that this missense variant is not expected to disrupt RHO protein function. This variant disrupts the p.Gln344 amino acid residue in RHO. Other variant(s) that disrupt this residue have been observed in individuals with RHO-related conditions (PMID: 20164459, 33576794; Invitae), which suggests that this may be a clinically significant amino acid residue. In summary, the available evidence is currently insufficient to determine the role of this variant in disease. Therefore, it has been classified as a Variant of Uncertain Significance. This missense change has been observed in individual(s) with retinitis pigmentosa (Invitae). This variant is not present in population databases (gnomAD no frequency). This sequence change replaces glutamine, which is neutral and polar, with glutamic acid, which is acidic and polar, at codon 344 of the RHO protein (p.Gln344Glu).

Blueprint Genetics
Classification: Uncertain significance. Last evaluated: 2018-02-13. Review status: criteria provided, single submitter. Criteria: ACMG Guidelines, 2015. Collection method: clinical testing. Allele origin: germline.

Literature cited by the submitters: PubMed 20164459 (cited by Labcorp Genetics (formerly Invitae), Labcorp); PubMed 33576794 (cited by Labcorp Genetics (formerly Invitae), Labcorp).

NM_000539.3(RHO):c.1030C>G (p.Gln344Glu)

Gene: RHO (rhodopsin; plus strand). Cytogenetic location: 3q22.1.
Variant type: single nucleotide variant.
Coding change: c.1030C>G on transcript NM_000539.3 (MANE Select); coding-DNA position 1030, C replaced by G.
Protein change: p.Gln344Glu; replaces glutamine 344 with glutamic acid.
Molecular consequence: missense variant.
Genome position (GRCh38, 1-based): chr3:129,533,701, C>G. VCF-style: chr3-129533701-C-G. GRCh37 (hg19) VCF-style: chr3-129252544-C-G.
Other names: short protein forms Q344E.
Identifiers: ClinVar variation 866738 (VCV000866738.7), dbSNP rs104893778, ClinGen allele CA354471262.